The following is an entry in ClinVar:

NM_000059.4(BRCA2):c.6913A>G (p.Lys2305Glu)

Gene: BRCA2 (BRCA2 DNA repair associated; plus strand). Cytogenetic location: 13q13.1.
Variant type: single nucleotide variant.
Coding change: c.6913A>G on transcript NM_000059.4 (MANE Select); coding-DNA position 6913, A replaced by G.
Protein change: p.Lys2305Glu; replaces lysine 2305 with glutamic acid.
Molecular consequence: missense variant.
Genome position (GRCh38, 1-based): chr13:32,344,629, A>G. VCF-style: chr13-32344629-A-G. GRCh37 (hg19) VCF-style: chr13-32918766-A-G.
Other names: short protein forms K2305E.
Identifiers: ClinVar variation 142621 (VCV000142621.10), dbSNP rs587782594, ClinGen allele CA024553.

ClinVar aggregate classification (germline): Uncertain significance. Review status: criteria provided, multiple submitters, no conflicts (2 of 4 stars). 3 submissions from 3 submitters: Uncertain significance (3). Last evaluated 2023-11-21.

Conditions:
Hereditary cancer-predisposing syndrome. Also called: Hereditary Cancer Syndrome; Neoplastic Syndromes, Hereditary; Hereditary neoplastic syndrome; Tumor predisposition. Identifiers: Orphanet 140162, MedGen C0027672, MeSH D009386, MONDO:0015356.
Hereditary breast ovarian cancer syndrome. Also called: BRCA1- and BRCA2-Associated Hereditary Breast and Ovarian Cancer; Hereditary breast and ovarian cancer syndrome; Hereditary breast and/or ovarian cancer syndrome; Breast and ovarian cancer; Hereditary breast and ovarian cancer; Hereditary breast and ovarian cancer syndrome (HBOC). Identifiers: Orphanet 145, MedGen C0677776, MeSH D061325, MONDO:0003582. Disease mechanism: loss of function.

Allele frequency attached by ClinVar (database versions not stated): gnomAD exomes below 0.00001; TOPMed below 0.00001.
gnomAD v4.1: 1 of 1,579,506 alleles (0.000063%); highest among the groups gnomAD compares: Non-Finnish European, 0.000087%; no homozygotes.

Submissions (3):

Ambry Genetics
Classification: Uncertain significance for Hereditary cancer-predisposing syndrome. Last evaluated: 2023-11-21. Review status: criteria provided, single submitter. Criteria: Ambry Variant Classification Scheme 2023. Collection method: clinical testing. Allele origin: germline.
Comment: The p.K2305E variant (also known as c.6913A>G), located in coding exon 11 of the BRCA2 gene, results from an A to G substitution at nucleotide position 6913. The lysine at codon 2305 is replaced by glutamic acid, an amino acid with similar properties. This amino acid position is not well conserved in available vertebrate species. In addition, the in silico prediction for this alteration is inconclusive. Since supporting evidence is limited at this time, the clinical significance of this alteration remains unclear.

Labcorp Genetics (formerly Invitae), Labcorp
Classification: Uncertain significance for Hereditary breast ovarian cancer syndrome. Last evaluated: 2023-10-18. Review status: criteria provided, single submitter. Criteria: Invitae Variant Classification Sherloc (09022015). Collection method: clinical testing. Allele origin: germline.
Comment: This sequence change replaces lysine, which is basic and polar, with glutamic acid, which is acidic and polar, at codon 2305 of the BRCA2 protein (p.Lys2305Glu). This variant is not present in population databases (gnomAD no frequency). This variant has not been reported in the literature in individuals affected with BRCA2-related conditions. ClinVar contains an entry for this variant (Variation ID: 142621). Advanced modeling of protein sequence and biophysical properties (such as structural, functional, and spatial information, amino acid conservation, physicochemical variation, residue mobility, and thermodynamic stability) performed at Invitae indicates that this missense variant is not expected to disrupt BRCA2 protein function. In summary, the available evidence is currently insufficient to determine the role of this variant in disease. Therefore, it has been classified as a Variant of Uncertain Significance.

GeneDx
Classification: Uncertain significance. Last evaluated: 2019-12-09. Review status: criteria provided, single submitter. Criteria: GeneDx Variant Classification Process June 2021. Collection method: clinical testing. Allele origin: germline. Affected: yes.
Comment: Not observed in large population cohorts (Lek et al., 2016); In silico analysis, which includes protein predictors and evolutionary conservation, supports that this variant does not alter protein structure/function; Has not been previously published as pathogenic or benign to our knowledge; Also known as 7141A>G